The following is an entry in ClinVar:

NM_198428.3(BBS9):c.442+7T>G

Gene: BBS9 (Bardet-Biedl syndrome 9; plus strand). Cytogenetic location: 7p14.3.
Variant type: single nucleotide variant.
Coding change: c.442+7T>G on transcript NM_198428.3 (MANE Select); 7 bases into the intron after coding-DNA position 442, T replaced by G.
Molecular consequence: intron variant.
Genome position (GRCh38, 1-based): chr7:33,177,598, T>G. VCF-style: chr7-33177598-T-G. GRCh37 (hg19) VCF-style: chr7-33217210-T-G.
Other names: c.442+7T>G (NM_001348036.1, NM_001362679.1, NM_001348041.4 and 6 more transcripts); c.76+7T>G (NM_001348046.3, NM_001348044.3, NM_001348037.3 and 1 more transcripts); c.307+7T>G (NM_001348042.3); c.169+7T>G (NM_001348038.3, NM_001348039.3).
Identifiers: ClinVar variation 1582746 (VCV001582746.10), dbSNP rs1470563544, ClinGen allele CA573762333.

ClinVar aggregate classification (germline): Likely benign. Review status: criteria provided, multiple submitters, no conflicts (2 of 4 stars). 3 submissions from 3 submitters: Likely benign (2). 1 of the submissions does not count toward it. Last evaluated 2025-02-27.

Conditions:
Bardet-Biedl syndrome (BBS). Identifiers: Orphanet 110, MedGen C0752166, MONDO:0015229.
BBS9-related disorder. Also called: BBS9-related condition.

Allele frequency attached by ClinVar (database versions not stated): gnomAD exomes below 0.00001; TOPMed 0.00002.
gnomAD v4.1: 5 of 1,575,588 alleles (0.00032%); highest among the groups gnomAD compares: African/African-American, 0.0027%; no homozygotes.

Submissions (3):

Labcorp Genetics (formerly Invitae), Labcorp
Classification: Likely benign for Bardet-Biedl syndrome. Last evaluated: 2025-02-27. Review status: criteria provided, single submitter. Criteria: Invitae Variant Classification Sherloc (09022015). Collection method: clinical testing. Allele origin: germline.

Blueprint Genetics
Classification: Likely benign. Last evaluated: 2019-01-05. Review status: criteria provided, single submitter. Criteria: ACMG Guidelines, 2015. Collection method: clinical testing. Allele origin: germline.

PreventionGenetics, part of Exact Sciences
Classification: Likely benign for BBS9-related condition. Last evaluated: 2023-11-09. Review status: no assertion criteria provided. Collection method: clinical testing. Allele origin: germline. Not counted in ClinVar's aggregate classification.
Comment: This variant is classified as likely benign based on ACMG/AMP sequence variant interpretation guidelines (Richards et al. 2015 PMID: 25741868, with internal and published modifications).